The following is an entry in ClinVar:

ClinVar aggregate classification (germline): Likely benign (0 of 4 stars; one submission).

Conditions:
NCOR1-related disorder. Also called: NCOR1-related condition.

Allele frequency attached by ClinVar (database versions not stated): TOPMed 0.00004; gnomAD 0.00005; gnomAD exomes 0.00007; ESP Exome Variant Server 0.00008; ExAC 0.00017; 1000 Genomes Project 30x 0.00031; 1000 Genomes Project 0.00040.
gnomAD v4.1: 106 of 1,567,038 alleles (0.0068%); highest among the groups gnomAD compares: Middle Eastern, 0.068%; no homozygotes.

Submission:

PreventionGenetics, part of Exact Sciences
Classification: Likely benign for NCOR1-related condition. Last evaluated: 2019-08-12. Review status: no assertion criteria provided. Collection method: clinical testing. Allele origin: germline.
Comment: This variant is classified as likely benign based on ACMG/AMP sequence variant interpretation guidelines (Richards et al. 2015 PMID: 25741868, with internal and published modifications).

NM_006311.4(NCOR1):c.2058T>C (p.Thr686=)

Gene: NCOR1 (nuclear receptor corepressor 1; minus strand). Cytogenetic location: 17p11.2.
Variant type: single nucleotide variant.
Coding change: c.2058T>C on transcript NM_006311.4 (MANE Select); coding-DNA position 2058, T replaced by C.
Protein change: p.Thr686=; no amino-acid change (threonine 686 retained).
Molecular consequence: synonymous variant.
Genome position (GRCh38, 1-based): chr17:16,108,910, A>G on the plus strand (T>C on the coding strand, the complement: NCOR1 is on the minus strand). VCF-style: chr17-16108910-A-G. GRCh37 (hg19) VCF-style: chr17-16012224-A-G.
Other names: c.1731T>C, p.Thr577= (NM_001190438.2); c.2058T>C, p.Thr686= (NM_001190440.2).
Identifiers: ClinVar variation 3034508 (VCV003034508.2), dbSNP rs376830568, ClinGen allele CA8409128.